The following is an entry in ClinVar:

ClinVar aggregate classification (germline): Uncertain significance (1 of 4 stars; one submission).

gnomAD v4.1: 150 of 1,611,718 alleles (0.0093%); highest among the groups gnomAD compares: Non-Finnish European, 0.012%; 1 homozygote.

Submission:

Labcorp Genetics (formerly Invitae), Labcorp
Classification: Uncertain significance. Last evaluated: 2025-06-22. Review status: criteria provided, single submitter. Criteria: Invitae Variant Classification Sherloc (09022015). Collection method: clinical testing. Allele origin: germline.
Comment: This sequence change replaces arginine, which is basic and polar, with histidine, which is basic and polar, at codon 820 of the FBN3 protein (p.Arg820His). This variant is present in population databases (rs752223668, gnomAD 0.01%). This variant has not been reported in the literature in individuals affected with FBN3-related conditions. Invitae Evidence Modeling of protein sequence and biophysical properties (such as structural, functional, and spatial information, amino acid conservation, physicochemical variation, residue mobility, and thermodynamic stability) indicates that this missense variant is not expected to disrupt FBN3 protein function with a negative predictive value of 80%. In summary, the available evidence is currently insufficient to determine the role of this variant in disease. Therefore, it has been classified as a Variant of Uncertain Significance.

NM_032447.5(FBN3):c.2459G>A (p.Arg820His)

Gene: FBN3 (fibrillin 3; minus strand). Cytogenetic location: 19p13.2.
Variant type: single nucleotide variant.
Coding change: c.2459G>A on transcript NM_032447.5 (MANE Select); coding-DNA position 2459, G replaced by A.
Protein change: p.Arg820His; replaces arginine 820 with histidine.
Molecular consequence: missense variant.
Genome position (GRCh38, 1-based): chr19:8,126,563, C>T on the plus strand (G>A on the coding strand, the complement: FBN3 is on the minus strand). VCF-style: chr19-8126563-C-T. GRCh37 (hg19) VCF-style: chr19-8191447-C-T.
Other names: c.2459G>A, p.Arg820His (NM_001321431.2); short protein forms R820H.
Identifiers: ClinVar variation 4751102 (VCV004751102.1).